The following is an entry in ClinVar:

ClinVar aggregate classification (germline): Benign. Review status: criteria provided, multiple submitters, no conflicts (2 of 4 stars). 4 submissions from 4 submitters: Benign (4). Last evaluated 2026-02-01.

Conditions:
Glanzmann thrombasthenia. Also called: PLATELET GLYCOPROTEIN IIb-IIIa DEFICIENCY; Thrombasthenia; Glanzmann's thrombasthenia; BLEEDING DISORDER, PLATELET-TYPE, 2; THROMBASTHENIA OF GLANZMANN AND NAEGELI. Identifiers: Orphanet 849, MedGen C0040015, MONDO:0100326.

Allele frequency attached by ClinVar (database versions not stated): gnomAD exomes 0.00078 and 0.00212; ExAC 0.00286; gnomAD 0.00842 and 0.00885; TOPMed 0.00966; 1000 Genomes Project 0.00998; 1000 Genomes Project 30x 0.01015; ESP Exome Variant Server 0.01084.
gnomAD v4.1: 2,453 of 1,614,162 alleles (0.15%); highest among the groups gnomAD compares: African/African-American, 3%; 26 homozygotes.

Submissions (4):

Labcorp Genetics (formerly Invitae), Labcorp
Classification: Benign. Last evaluated: 2026-02-01. Review status: criteria provided, single submitter. Criteria: Invitae Variant Classification Sherloc (09022015). Collection method: clinical testing. Allele origin: germline.

Mayo Clinic Laboratories, Mayo Clinic
Classification: Benign. Last evaluated: 2024-06-11. Review status: criteria provided, single submitter. Criteria: ACMG Guidelines, 2015. Collection method: clinical testing. Allele origin: germline. Observed: 3 variant alleles.
Comment: BA1, BP4, BP7

Illumina Laboratory Services, Illumina
Classification: Benign for Glanzmann thrombasthenia 1. Last evaluated: 2018-01-12. Review status: criteria provided, single submitter. Criteria: ICSL Variant Classification Criteria 13 December 2019. Collection method: clinical testing. Allele origin: germline.
Comment: This variant was observed in the ICSL laboratory as part of a predisposition screen in an ostensibly healthy population. It had not been previously curated by ICSL or reported in the Human Gene Mutation Database (HGMD: prior to June 1st, 2018), and was therefore a candidate for classification through an automated scoring system. Utilizing variant allele frequency, disease prevalence and penetrance estimates, and inheritance mode, an automated score was calculated to assess if this variant is too frequent to cause the disease. Based on the score and internal cut-off values, a variant classified as benign is not then subjected to further curation. The score for this variant resulted in a classification of benign for this disease.

Breakthrough Genomics
Classification: Benign. Review status: criteria provided, single submitter. Criteria: ACMG Guidelines, 2015. Collection method: not provided. Allele origin: germline. Inheritance: Autosomal recessive inheritance. Affected: yes.

NM_000212.3(ITGB3):c.2208C>T (p.Ala736=)

Genes: EFCAB13-DT (EFCAB13 divergent transcript; minus strand), ITGB3 (integrin subunit beta 3; plus strand). Cytogenetic location: 17q21.32.
Variant type: single nucleotide variant.
Coding change: c.2208C>T on transcript NM_000212.3 (MANE Select); coding-DNA position 2208, C replaced by T.
Protein change: p.Ala736=; no amino-acid change (alanine 736 retained).
Molecular consequence: synonymous variant.
Genome position (GRCh38, 1-based): chr17:47,307,544, C>T. VCF-style: chr17-47307544-C-T. GRCh37 (hg19) VCF-style: chr17-45384910-C-T.
Other names: p.Ala736=.
Identifiers: ClinVar variation 323873 (VCV000323873.15), dbSNP rs73322311, ClinGen allele CA8623475.